The following is an entry in ClinVar:

ClinVar aggregate classification (germline): Likely pathogenic (1 of 4 stars; one submission).

Submission:

CeGaT Center for Human Genetics Tuebingen
Classification: Likely pathogenic. Last evaluated: 2022-11-01. Review status: criteria provided, single submitter. Criteria: CeGaT Center For Human Genetics Tuebingen Variant Classification Criteria Version 2. Collection method: clinical testing. Allele origin: germline. Affected: yes. Observed: 1 variant allele.
Comment: CDH11: PM2, PS2:Moderate, PVS1:Moderate

NM_001797.4(CDH11):c.1096del (p.Asp366fs)

Gene: CDH11 (cadherin 11; minus strand). Cytogenetic location: 16q21.
Variant type: Deletion.
Coding change: c.1096del on transcript NM_001797.4 (MANE Select); coding-DNA position 1096, one base deleted (G; older notation c.1096delG).
Protein change: p.Asp366fs; shifts the reading frame from aspartic acid 366.
Molecular consequence: frameshift variant.
Genome position (GRCh38, 1-based): chr16:64,982,205, C deleted on the plus strand (G on the coding strand, the reverse complement: CDH11 is on the minus strand); the first of 2 consecutive C bases (chr16:64,982,205-64,982,206); deleting either gives the same sequence. VCF-style (leftmost placement, unchanged base first): chr16-64982204-TC-T. GRCh37 (hg19) VCF-style: chr16-65016107-TC-T.
Other names: c.1096del, p.Asp366fs (NM_001308392.2); c.718del, p.Asp240fs (NM_001330576.2); short protein forms D240fs, D366fs.
Identifiers: ClinVar variation 2646590 (VCV002646590.24), dbSNP rs2506828315, ClinGen allele CA2695197660.